The following is an entry in ClinVar:

ClinVar aggregate classification (germline): Uncertain significance (1 of 4 stars; one submission).

gnomAD v4.1: 1 of 1,614,080 alleles (0.000062%); highest among the groups gnomAD compares: East Asian, 0.0022%; no homozygotes.

Submission:

Women's Health and Genetics/Laboratory Corporation of America, LabCorp
Classification: Uncertain significance. Last evaluated: 2025-06-06. Review status: criteria provided, single submitter. Criteria: LabCorp Variant Classification Summary - May 2015. Collection method: clinical testing. Allele origin: germline.
Comment: Variant summary: TNRC6B c.1022A>G (p.Gln341Arg) results in a conservative amino acid change in the encoded protein sequence. Algorithms developed to predict the effect of missense changes on protein structure and function are either unavailable or do not agree on the potential impact of this missense change. The variant allele was found at a frequency of 4e-06 in 249178 control chromosomes (gnomAD). The available data on variant occurrences in the general population are insufficient to allow any conclusion about variant significance. To our knowledge, no occurrence of c.1022A>G in individuals affected with Global Developmental Delay With Speech And Behavioral Abnormalities and no experimental evidence demonstrating its impact on protein function have been reported. No submitters have cited clinical-significance assessments for this variant to ClinVar. Based on the evidence outlined above, the variant was classified as uncertain significance.

NM_001162501.2(TNRC6B):c.1022A>G (p.Gln341Arg)

Gene: TNRC6B (trinucleotide repeat containing adaptor 6B; plus strand). Cytogenetic location: 22q13.1.
Variant type: single nucleotide variant.
Coding change: c.1022A>G on transcript NM_001162501.2 (MANE Select); coding-DNA position 1022, A replaced by G.
Protein change: p.Gln341Arg; replaces glutamine 341 with arginine.
Molecular consequence: missense variant. On other transcripts: intron variant (1).
Genome position (GRCh38, 1-based): chr22:40,265,252, A>G. VCF-style: chr22-40265252-A-G. GRCh37 (hg19) VCF-style: chr22-40661256-A-G.
Other names: c.1022A>G, p.Gln341Arg (NM_015088.3); c.565+3079A>G (NM_001024843.2); short protein forms Q341R.
Identifiers: ClinVar variation 3907317 (VCV003907317.1).